The following is an entry in ClinVar:

NM_004815.4(ARHGAP29):c.2138_2142del (p.Ile713fs)

Gene: ARHGAP29 (Rho GTPase activating protein 29; minus strand). Cytogenetic location: 1p22.1.
Variant type: Deletion.
Coding change: c.2138_2142del on transcript NM_004815.4 (MANE Select); coding-DNA positions 2138 to 2142, 5 bases deleted (TAAAA; older notation c.2138_2142delTAAAA).
Protein change: p.Ile713fs; shifts the reading frame from isoleucine 713.
Molecular consequence: frameshift variant.
Genome position (GRCh38, 1-based): chr1:94,184,256-94,184,260, TTTTA deleted on the plus strand (TAAAA on the coding strand, the reverse complement: ARHGAP29 is on the minus strand); deleting any 5 consecutive bases within chr1:94,184,256-94,184,264 gives the same sequence; the c. name uses the placement nearest the transcript's 3' end. VCF-style (leftmost placement, unchanged base first): chr1-94184255-TTTTTA-T. GRCh37 (hg19) VCF-style: chr1-94649811-TTTTTA-T.
Other names: c.2138_2142del, p.Ile713fs (NM_001328664.2); c.1946_1950del, p.Ile649fs (NM_001328665.2, NM_001328667.2); c.2111_2115del, p.Ile704fs (NM_001328666.2); short protein forms I649fs, I704fs, I713fs.
Identifiers: ClinVar variation 4993524 (VCV004993524.1).

ClinVar aggregate classification (germline): Likely pathogenic (1 of 4 stars; one submission).

Conditions:
ARHGAP29-related disorder. Also called: ARHGAP29-related condition; ARHGAP29-Related Disorders.

Submission:

PreventionGenetics, part of Exact Sciences
Classification: Likely pathogenic for ARHGAP29-related condition. Last evaluated: 2026-04-12. Review status: criteria provided, single submitter. Criteria: ACMG Guidelines, 2015. Collection method: clinical testing. Allele origin: germline.
Comment: The ARHGAP29 c.2138_2142del5 variant is predicted to result in a frameshift and premature protein termination (p.Ile713Asnfs*2). To our knowledge, this variant has not been reported in the literature or in a large population database (gnomAD), indicating this variant is rare. Frameshift variants in ARHGAP29 are expected to be pathogenic. This variant is interpreted as likely pathogenic.